The following is an entry in ClinVar:

NM_181703.4(GJA5):c.358T>C (p.Ser120Pro)

Gene: GJA5 (gap junction protein alpha 5; minus strand). Cytogenetic location: 1q21.2.
Variant type: single nucleotide variant.
Coding change: c.358T>C on transcript NM_181703.4 (MANE Select); coding-DNA position 358, T replaced by C.
Protein change: p.Ser120Pro; replaces serine 120 with proline.
Molecular consequence: missense variant.
Genome position (GRCh38, 1-based): chr1:147,758,881, A>G on the plus strand (T>C on the coding strand, the complement: GJA5 is on the minus strand). VCF-style: chr1-147758881-A-G. GRCh37 (hg19) VCF-style: chr1-147230989-A-G.
Other names: c.358T>C, p.Ser120Pro (NM_005266.7); short protein forms S120P.
Identifiers: ClinVar variation 963188 (VCV000963188.8), dbSNP rs782642890, ClinGen allele CA1065780.

ClinVar aggregate classification (germline): Uncertain significance (1 of 4 stars; one submission).

Conditions:
Atrial standstill 1 (ATRST1). Also called: ATRIAL CARDIOMYOPATHY WITH HEART BLOCK; CARDIOMYOPATHY, FAMILIAL, WITH CONDUCTION DISTURBANCE; Atrial standstill, digenic (GJA5/SCN5A). Identifiers: Orphanet 1344, MedGen C4551959, MONDO:0007171, OMIM 108770.
Atrial fibrillation, familial, 11 (ATFB11). Identifiers: MedGen C3279693, MONDO:0013544, OMIM 614049.

Allele frequency attached by ClinVar (database versions not stated): gnomAD exomes below 0.00001 and 0.00001; ExAC 0.00001; gnomAD 0.00002; TOPMed 0.00002.

Submission:

Labcorp Genetics (formerly Invitae), Labcorp
Classification: Uncertain significance for Atrial fibrillation, familial, 11; Atrial standstill 1. Last evaluated: 2026-01-11. Review status: criteria provided, single submitter. Criteria: Invitae Variant Classification Sherloc (09022015). Collection method: clinical testing. Allele origin: germline.
Comment: This sequence change replaces serine, which is neutral and polar, with proline, which is neutral and non-polar, at codon 120 of the GJA5 protein (p.Ser120Pro). This variant is present in population databases (rs782642890, gnomAD 0.0009%). This variant has not been reported in the literature in individuals affected with GJA5-related conditions. ClinVar contains an entry for this variant (Variation ID: 963188). Invitae Evidence Modeling of protein sequence and biophysical properties (such as structural, functional, and spatial information, amino acid conservation, physicochemical variation, residue mobility, and thermodynamic stability) indicates that this missense variant is not expected to disrupt GJA5 protein function with a negative predictive value of 80%. In summary, the available evidence is currently insufficient to determine the role of this variant in disease. Therefore, it has been classified as a Variant of Uncertain Significance.